The following is an entry in ClinVar:

NM_001330260.2(SCN8A):c.4281+6G>A

Gene: SCN8A (sodium voltage-gated channel alpha subunit 8; plus strand). Cytogenetic location: 12q13.13.
Variant type: single nucleotide variant.
Coding change: c.4281+6G>A on transcript NM_001330260.2 (MANE Select); 6 bases into the intron after coding-DNA position 4281, G replaced by A.
Molecular consequence: intron variant.
Genome position (GRCh38, 1-based): chr12:51,788,754, G>A. VCF-style: chr12-51788754-G-A. GRCh37 (hg19) VCF-style: chr12-52182538-G-A.
Other names: c.4281+6G>A (NM_014191.4); c.4158+6G>A (NM_001177984.3, NM_001369788.1).
Identifiers: ClinVar variation 2861868 (VCV002861868.3), dbSNP rs2540305548, ClinGen allele CA2739272034.
Genomic context (GRCh38, chr12:51,788,754, plus strand): 5'-GGCAACCTTCAAAGGCTGGATGGACATCATGTATGCAGCTGTAGATTCCCGGAAGGTAAG[G>A]ATGTACATGGCGAAAATACCACCTTCTCAGATGGCTGGAAAGCAAGCAGCATGGTATACC-3'

ClinVar aggregate classification (germline): Uncertain significance (1 of 4 stars; one submission).

Conditions:
Early-infantile DEE. Also called: Ohtahara syndrome; Early infantile epileptic encephalopathy with suppression bursts; Early infantile epileptic encephalopathy. Identifiers: Orphanet 1934, MedGen C0393706, MONDO:0800491.

Submission:

Labcorp Genetics (formerly Invitae), Labcorp
Classification: Uncertain significance for Early-infantile DEE. Last evaluated: 2023-05-03. Review status: criteria provided, single submitter. Criteria: Invitae Variant Classification Sherloc (09022015). Collection method: clinical testing. Allele origin: germline.
Comment: This sequence change falls in intron 23 of the SCN8A gene. It does not directly change the encoded amino acid sequence of the SCN8A protein. It affects a nucleotide within the consensus splice site. This variant is not present in population databases (gnomAD no frequency). This variant has not been reported in the literature in individuals affected with SCN8A-related conditions. Variants that disrupt the consensus splice site are a relatively common cause of aberrant splicing (PMID: 17576681, 9536098). Algorithms developed to predict the effect of sequence changes on RNA splicing suggest that this variant is not likely to affect RNA splicing. In summary, the available evidence is currently insufficient to determine the role of this variant in disease. Therefore, it has been classified as a Variant of Uncertain Significance.

Literature cited by the submitters: PubMed 17576681; PubMed 9536098.